The following is an entry in ClinVar:

ClinVar aggregate classification (germline): Likely pathogenic. Review status: criteria provided, multiple submitters, no conflicts (2 of 4 stars). 2 submissions from 2 submitters: Likely pathogenic (2). Last evaluated 2026-01-21.

Conditions:
Holocarboxylase synthetase deficiency. Also called: MULTIPLE CARBOXYLASE DEFICIENCY, EARLY ONSET. Identifiers: Orphanet 79242, MedGen C0268581, MONDO:0009666, OMIM 253270.

Allele frequency attached by ClinVar (database versions not stated): gnomAD exomes below 0.00001.
gnomAD v4.1: 1 of 1,602,044 alleles (0.000062%); highest among the groups gnomAD compares: Non-Finnish European, 0.000085%; no homozygotes.

Submissions (2):

Natera, Inc.
Classification: Likely pathogenic for Holocarboxylase synthetase deficiency. Last evaluated: 2026-01-21. Review status: criteria provided, single submitter. Criteria: Natera Variant Classification Schema (03/2026). Collection method: clinical testing. Allele origin: germline.
Comment: The c.2009+2T>A variant in HLCS is a canonical splice donor site variant predicted to affect pre-mRNA splicing, which may result in an abnormal transcript and altered protein product. This variant is expected to result in nonsense mediated decay, truncation, or a dysfunctional protein product. This variant is rare in the general population with a frequency below the threshold expected for the associated phenotype(s). Given the available evidence, this variant is classified as Likely Pathogenic.

Baylor Genetics
Classification: Likely pathogenic for Holocarboxylase synthetase deficiency. Last evaluated: 2021-12-12. Review status: criteria provided, single submitter. Criteria: ACMG Guidelines, 2015. Collection method: clinical testing. Allele origin: unknown.

NM_001352514.2(HLCS):c.2450+2T>A

Gene: HLCS (holocarboxylase synthetase; minus strand). Cytogenetic location: 21q22.13.
Variant type: single nucleotide variant.
Coding change: c.2450+2T>A on transcript NM_001352514.2 (MANE Select); the canonical splice donor site of the intron after coding-DNA position 2450, T replaced by A.
Molecular consequence: splice donor variant.
Genome position (GRCh38, 1-based): chr21:36,756,540, A>T on the plus strand (T>A on the coding strand, the complement: HLCS is on the minus strand). VCF-style: chr21-36756540-A-T. GRCh37 (hg19) VCF-style: chr21-38128841-A-T.
Other names: c.2009+2T>A (NM_000411.7, NM_001352517.1, NM_001242785.2 and 5 more transcripts).
Identifiers: ClinVar variation 2676027 (VCV002676027.2), dbSNP rs2516840293, ClinGen allele CA409918905.